The following is an entry in ClinVar:

NM_014687.4(RUBCN):c.2159G>T (p.Arg720Leu)

Gene: RUBCN (rubicon autophagy regulator; minus strand). Cytogenetic location: 3q29.
Variant type: single nucleotide variant.
Coding change: c.2159G>T on transcript NM_014687.4 (MANE Select); coding-DNA position 2159, G replaced by T.
Protein change: p.Arg720Leu; replaces arginine 720 with leucine.
Molecular consequence: missense variant.
Genome position (GRCh38, 1-based): chr3:197,681,867, C>A on the plus strand (G>T on the coding strand, the complement: RUBCN is on the minus strand). VCF-style: chr3-197681867-C-A. GRCh37 (hg19) VCF-style: chr3-197408738-C-A.
Other names: c.2024G>T, p.Arg675Leu (NM_001145642.5); c.2276G>T, p.Arg759Leu (NM_001346873.2); short protein forms R675L, R720L, R759L.
Identifiers: ClinVar variation 3361148 (VCV003361148.2).
Genomic context (GRCh38, chr3:197,681,867, plus strand): 5'-CAGCATGGTGGGAAGGGAAGGCACTCACCAGGGTCAGTCCGGATGCCACATCCTGCACAG[C>A]GGTAATTCTGCTTGGCCACGGCAATTTTCCTCCTGAGGAAGGGTAAGGACAGGGCATTGG-3'
Protein context (NP_055502.1, residues 710-730): RKIAVAKQNY[Arg720Leu]CAGCGIRTDP

ClinVar aggregate classification (germline): Uncertain significance. Review status: criteria provided, multiple submitters, no conflicts (2 of 4 stars). 2 submissions from 2 submitters: Uncertain significance (2). Last evaluated 2025-02-13.

gnomAD v4.1: 9 of 1,613,818 alleles (0.00056%); highest among the groups gnomAD compares: South Asian, 0.0022%; no homozygotes.

Submissions (2):

Ambry Genetics
Classification: Uncertain significance. Last evaluated: 2025-02-13. Review status: criteria provided, single submitter. Criteria: Ambry Variant Classification Scheme 2023. Collection method: clinical testing. Allele origin: germline.

GeneDx
Classification: Uncertain significance. Last evaluated: 2023-07-18. Review status: criteria provided, single submitter. Criteria: GeneDx Variant Classification Process June 2021. Collection method: clinical testing. Allele origin: germline. Affected: yes.
Comment: In silico analysis supports that this missense variant has a deleterious effect on protein structure/function; Has not been previously published as pathogenic or benign to our knowledge